The following is an entry in ClinVar:

ClinVar aggregate classification (germline): Pathogenic (1 of 4 stars; one submission).

Conditions:
Pitt-Hopkins-like syndrome 2 (PTHSL2). Identifiers: Orphanet 221150, Orphanet 600663, MedGen C3280479, MONDO:0013690, OMIM 614325.

Submission:

Women's Health and Genetics/Laboratory Corporation of America, LabCorp
Classification: Pathogenic for Pitt-Hopkins-like syndrome 2. Last evaluated: 2024-03-26. Review status: criteria provided, single submitter. Criteria: LabCorp Variant Classification Summary - May 2015. Collection method: clinical testing. Allele origin: germline.
Comment: Variant summary: NRXN1 c.763dupT (p.Cys255LeufsX19) results in a premature termination codon, predicted to cause a truncation of the encoded protein or absence of the protein due to nonsense mediated decay, which are commonly known mechanisms for disease. The variant was absent in 189592 control chromosomes. To our knowledge, no occurrence of c.763dupT in individuals affected with Pitt-Hopkins-Like Syndrome 2 and no experimental evidence demonstrating its impact on protein function have been reported. No submitters have cited clinical-significance assessments for this variant to ClinVar. Based on the evidence outlined above, the variant was classified as pathogenic.

NM_001330078.2(NRXN1):c.763dup (p.Cys255fs)

Gene: NRXN1 (neurexin 1; minus strand). Cytogenetic location: 2p16.3.
Variant type: Duplication.
Coding change: c.763dup on transcript NM_001330078.2 (MANE Select); coding-DNA position 763, one base duplicated (T; older notation c.763dupT).
Protein change: p.Cys255fs; shifts the reading frame from cysteine 255.
Molecular consequence: frameshift variant.
Genome position (GRCh38, 1-based): chr2:51,027,511, A duplicated on the plus strand (T on the coding strand, the reverse complement: NRXN1 is on the minus strand). VCF-style (leftmost placement, unchanged base first): chr2-51027510-C-CA. GRCh37 (hg19) VCF-style: chr2-51254648-C-CA.
Other names: c.763dup, p.Cys255fs (NM_001135659.3, NM_001330077.2, NM_001330079.2 and 15 more transcripts); c.763dupT (NM_001135659.3); short protein forms C255fs.
Identifiers: ClinVar variation 3233755 (VCV003233755.2), dbSNP rs2468067820, ClinGen allele CA2825001155.